The following is an entry in ClinVar:

NM_000038.6(APC):c.1564_1565del (p.Met522fs)

Gene: APC (APC regulator of Wnt signaling pathway; plus strand). Cytogenetic location: 5q22.2.
Variant type: Deletion.
Coding change: c.1564_1565del on transcript NM_000038.6 (MANE Select); coding-DNA positions 1564 to 1565, 2 bases deleted (AT; older notation c.1564_1565delAT).
Protein change: p.Met522fs; shifts the reading frame from methionine 522.
Molecular consequence: frameshift variant.
Genome position (GRCh38, 1-based): chr5:112,827,944-112,827,945, AT deleted; deleting any 2 consecutive bases within chr5:112,827,943-112,827,945 gives the same sequence; the c. name uses the placement nearest the transcript's 3' end. VCF-style (leftmost placement, unchanged base first): chr5-112827942-CTA-C. GRCh37 (hg19) VCF-style: chr5-112163639-CTA-C.
Other names: c.1564_1565del, p.Met522fs (NM_001127510.3, NM_001354895.2, NM_001407450.1); c.1510_1511del, p.Met504fs (NM_001127511.3); c.1618_1619del, p.Met540fs (NM_001354896.2, NM_001407447.1, NM_001407448.1 and 1 more transcripts); c.1594_1595del, p.Met532fs (NM_001354897.2); c.1489_1490del, p.Met497fs (NM_001354898.2); c.1480_1481del, p.Met494fs (NM_001354899.2); c.1441_1442del, p.Met481fs (NM_001354900.2); c.1387_1388del, p.Met463fs (NM_001354901.2, NM_001407453.1); and 11 more; short protein forms M362fs, M494fs, M540fs, M421fs, M439fs, M504fs, M550fs, M239fs.
Identifiers: ClinVar variation 2734761 (VCV002734761.3), dbSNP rs2149813289, ClinGen allele CA658760493.

ClinVar aggregate classification (germline): Pathogenic (1 of 4 stars; one submission).

Conditions:
Familial adenomatous polyposis 1 (FAP1). Also called: POLYPOSIS, ADENOMATOUS INTESTINAL; FAMILIAL ADENOMATOUS POLYPOSIS 1, ATTENUATED. Identifiers: MedGen C2713442, MONDO:0021056, OMIM 175100. Disease mechanism: loss of function.

Submission:

Labcorp Genetics (formerly Invitae), Labcorp
Classification: Pathogenic for Familial adenomatous polyposis 1. Last evaluated: 2023-01-13. Review status: criteria provided, single submitter. Criteria: Invitae Variant Classification Sherloc (09022015). Collection method: clinical testing. Allele origin: germline.
Comment: This sequence change creates a premature translational stop signal (p.Met522Glufs*14) in the APC gene. It is expected to result in an absent or disrupted protein product. Loss-of-function variants in APC are known to be pathogenic (PMID: 17963004, 20685668). This variant is not present in population databases (gnomAD no frequency). For these reasons, this variant has been classified as Pathogenic. This variant is also known as 1563delTA. This premature translational stop signal has been observed in individual(s) with familial adenomatous polyposis (PMID: 9375853, 20685668).

Literature cited by the submitters: PubMed 17963004; PubMed 20685668; PubMed 9375853.